The following is an entry in ClinVar:

NM_018557.3(LRP1B):c.7877-4C>A

Gene: LRP1B (LDL receptor related protein 1B; minus strand). Cytogenetic location: 2q22.1.
Variant type: single nucleotide variant.
Coding change: c.7877-4C>A on transcript NM_018557.3 (MANE Select); 4 bases into the intron before coding-DNA position 7877, C replaced by A.
Molecular consequence: intron variant.
Genome position (GRCh38, 1-based): chr2:140,525,997, G>T on the plus strand (C>A on the coding strand, the complement: LRP1B is on the minus strand). VCF-style: chr2-140525997-G-T. GRCh37 (hg19) VCF-style: chr2-141283566-G-T.
Identifiers: ClinVar variation 3040321 (VCV003040321.2), dbSNP rs762325796, ClinGen allele CA1894143.

ClinVar aggregate classification (germline): Likely benign (0 of 4 stars; one submission).

Conditions:
LRP1B-related disorder. Also called: LRP1B-related condition.

Allele frequency attached by ClinVar (database versions not stated): ExAC 0.00002; TOPMed 0.00003; gnomAD exomes 0.00005; gnomAD 0.00010.
gnomAD v4.1: 91 of 1,610,798 alleles (0.0056%); highest among the groups gnomAD compares: Middle Eastern, 0.099%; 1 homozygote.

Submission:

PreventionGenetics, part of Exact Sciences
Classification: Likely benign for LRP1B-related condition. Last evaluated: 2019-09-19. Review status: no assertion criteria provided. Collection method: clinical testing. Allele origin: germline.
Comment: This variant is classified as likely benign based on ACMG/AMP sequence variant interpretation guidelines (Richards et al. 2015 PMID: 25741868, with internal and published modifications).